The following is an entry in ClinVar:

ClinVar aggregate classification (germline): Uncertain significance (1 of 4 stars; one submission).

Conditions:
Cardiovascular phenotype. Identifiers: MedGen CN230736.

Submission:

Ambry Genetics
Classification: Uncertain significance for Cardiovascular phenotype. Last evaluated: 2026-08-14. Review status: criteria provided, single submitter. Criteria: Ambry Variant Classification Scheme 2023. Collection method: clinical testing. Allele origin: germline.
Comment: The p.M832T variant (also known as c.2495T>C), located in coding exon 17 of the APOB gene, results from a T to C substitution at nucleotide position 2495. The methionine at codon 832 is replaced by threonine, an amino acid with similar properties. This amino acid position is well conserved in available vertebrate species. In addition, this alteration is predicted to be tolerated by in silico analysis. Based on the available evidence, the clinical significance of this variant remains unclear.

NM_000384.3(APOB):c.2495T>C (p.Met832Thr)

Gene: APOB (apolipoprotein B; minus strand). Cytogenetic location: 2p24.1.
Variant type: single nucleotide variant.
Coding change: c.2495T>C on transcript NM_000384.3 (MANE Select); coding-DNA position 2495, T replaced by C.
Protein change: p.Met832Thr; replaces methionine 832 with threonine.
Molecular consequence: missense variant.
Genome position (GRCh38, 1-based): chr2:21,023,634, A>G on the plus strand (T>C on the coding strand, the complement: APOB is on the minus strand). VCF-style: chr2-21023634-A-G. GRCh37 (hg19) VCF-style: chr2-21246506-A-G.
Other names: short protein forms M832T.
Identifiers: ClinVar variation 5027891 (VCV005027891.1).